The following is an entry in ClinVar:

NM_004239.4(TRIP11):c.5657T>C (p.Met1886Thr)

Gene: TRIP11 (thyroid hormone receptor interactor 11; minus strand). Cytogenetic location: 14q32.12.
Variant type: single nucleotide variant.
Coding change: c.5657T>C on transcript NM_004239.4 (MANE Select); coding-DNA position 5657, T replaced by C.
Protein change: p.Met1886Thr; replaces methionine 1886 with threonine.
Molecular consequence: missense variant.
Genome position (GRCh38, 1-based): chr14:91,972,779, A>G on the plus strand (T>C on the coding strand, the complement: TRIP11 is on the minus strand). VCF-style: chr14-91972779-A-G. GRCh37 (hg19) VCF-style: chr14-92439123-A-G.
Other names: c.5654T>C, p.Met1885Thr (NM_001321851.1); short protein forms M1886T, M1885T.
Identifiers: ClinVar variation 884421 (VCV000884421.20), dbSNP rs143392370, ClinGen allele CA7313086.

ClinVar aggregate classification (germline): Uncertain significance. Review status: criteria provided, multiple submitters, no conflicts (2 of 4 stars). 4 submissions from 4 submitters: Uncertain significance (4). Last evaluated 2026-10-07.

Conditions:
Achondrogenesis, type IA (ACG1A). Identifiers: Orphanet 932, Orphanet 93299, MedGen C0265273, MONDO:0008701, OMIM 200600.

Allele frequency attached by ClinVar (database versions not stated): gnomAD exomes 0.00022 and 0.00048; gnomAD 0.00025 and 0.00029; TOPMed 0.00031; ExAC 0.00026; ESP Exome Variant Server 0.00038.

Submissions (4):

GeneDx
Classification: Uncertain significance. Last evaluated: 2026-10-07. Review status: criteria provided, single submitter. Criteria: GeneDx Variant Classification Process June 2021. Collection method: clinical testing. Allele origin: germline.
Comment: In silico analysis suggests that this missense variant does not alter protein structure/function; Has not been previously published as pathogenic or benign to our knowledge

Labcorp Genetics (formerly Invitae), Labcorp
Classification: Uncertain significance for Achondrogenesis, type IA. Last evaluated: 2025-10-23. Review status: criteria provided, single submitter. Criteria: Invitae Variant Classification Sherloc (09022015). Collection method: clinical testing. Allele origin: germline.
Comment: This sequence change replaces methionine, which is neutral and non-polar, with threonine, which is neutral and polar, at codon 1886 of the TRIP11 protein (p.Met1886Thr). This variant is present in population databases (rs143392370, gnomAD 0.04%). This variant has not been reported in the literature in individuals affected with TRIP11-related conditions. ClinVar contains an entry for this variant (Variation ID: 884421). Invitae Evidence Modeling of protein sequence and biophysical properties (such as structural, functional, and spatial information, amino acid conservation, physicochemical variation, residue mobility, and thermodynamic stability) indicates that this missense variant is not expected to disrupt TRIP11 protein function with a negative predictive value of 80%. In summary, the available evidence is currently insufficient to determine the role of this variant in disease. Therefore, it has been classified as a Variant of Uncertain Significance.

ARUP Laboratories, Molecular Genetics and Genomics, ARUP Laboratories
Classification: Uncertain significance. Last evaluated: 2022-03-04. Review status: criteria provided, single submitter. Criteria: ARUP Molecular Germline Variant Investigation Process 2021. Collection method: clinical testing. Allele origin: germline.
Comment: The TRIP11 c.5657T>C; p.Met1886Thr variant (rs143392370), to our knowledge, is not reported in the medical literature or gene-specific databases. This variant is found in the non-Finnish European population with an overall allele frequency of 0.04% (51/128730 alleles) in the Genome Aggregation Database. The methionine at codon 1886 is weakly conserved, and computational analyses (SIFT, PolyPhen-2) predict that this variant is tolerated. However, due to limited information, the clinical significance of the p.Met1886Thr variant is uncertain at this time.

Illumina Laboratory Services, Illumina
Classification: Uncertain significance for Achondrogenesis, type IA. Last evaluated: 2018-01-12. Review status: criteria provided, single submitter. Criteria: ICSL Variant Classification Criteria 13 December 2019. Collection method: clinical testing. Allele origin: germline.